The following is an entry in ClinVar:

ClinVar aggregate classification (germline): Likely benign. Review status: criteria provided, multiple submitters, no conflicts (2 of 4 stars). 2 submissions from 2 submitters: Likely benign (2). Last evaluated 2024-10-01.

Conditions:
Inborn genetic diseases. Identifiers: MedGen C0950123, MeSH D030342.

Allele frequency attached by ClinVar (database versions not stated): ExAC 0.00016; TOPMed 0.00019; gnomAD exomes 0.00022; gnomAD 0.00030; ESP Exome Variant Server 0.00042.
gnomAD v4.1: 787 of 1,613,532 alleles (0.049%); highest among the groups gnomAD compares: Non-Finnish European, 0.062%; 1 homozygote.

Submissions (2):

CeGaT Center for Human Genetics Tuebingen
Classification: Likely benign. Last evaluated: 2024-10-01. Review status: criteria provided, single submitter. Criteria: CeGaT Center For Human Genetics Tuebingen Variant Classification Criteria Version 2. Collection method: clinical testing. Allele origin: germline. Affected: yes. Observed: 4 variant alleles.
Comment: ZNF292: BP4

Ambry Genetics
Classification: Likely benign for Inborn genetic diseases. Last evaluated: 2023-02-23. Review status: criteria provided, single submitter. Criteria: Ambry Variant Classification Scheme 2023. Collection method: clinical testing. Allele origin: germline.

NM_015021.3(ZNF292):c.6302C>T (p.Ser2101Phe)

Gene: ZNF292 (zinc finger protein 292; plus strand). Cytogenetic location: 6q14.3.
Variant type: single nucleotide variant.
Coding change: c.6302C>T on transcript NM_015021.3 (MANE Select); coding-DNA position 6302, C replaced by T.
Protein change: p.Ser2101Phe; replaces serine 2101 with phenylalanine.
Molecular consequence: missense variant.
Genome position (GRCh38, 1-based): chr6:87,259,931, C>T. VCF-style: chr6-87259931-C-T. GRCh37 (hg19) VCF-style: chr6-87969649-C-T.
Other names: c.5882C>T, p.Ser1961Phe (NM_001351444.2); c.6302C>T (NM_015021.1); short protein forms S1961F, S2101F.
Identifiers: ClinVar variation 1676032 (VCV001676032.35), dbSNP rs200254331, ClinGen allele CA3914614.
Genomic context (GRCh38, chr6:87,259,931, plus strand): 5'-AGATTAGGAGGCATAAAAAAGAAAAGGAGGAGAAAAAACGAAAGAAGCCAGTTTCCCAAT[C>T]CCTTGAGTTTCCAACAAGATACAGTCCTTACAGACCTTATCGATGTGTTCACCAGGGATG-3'
Protein context (NP_055836.1, residues 2091-2111): EKKRKKPVSQ[Ser2101Phe]LEFPTRYSPY